The following is an entry in ClinVar:

NM_032620.4(GTPBP3):c.958C>T (p.Arg320Trp)

Gene: GTPBP3 (GTP binding protein 3, mitochondrial; plus strand). Cytogenetic location: 19p13.11.
Variant type: single nucleotide variant.
Coding change: c.958C>T on transcript NM_032620.4 (MANE Select); coding-DNA position 958, C replaced by T.
Protein change: p.Arg320Trp; replaces arginine 320 with tryptophan.
Molecular consequence: missense variant.
Genome position (GRCh38, 1-based): chr19:17,339,583, C>T. VCF-style: chr19-17339583-C-T. GRCh37 (hg19) VCF-style: chr19-17450392-C-T.
Other names: c.958C>T, p.Arg320Trp (NM_001128855.3); c.1024C>T, p.Arg342Trp (NM_001195422.1); c.1054C>T, p.Arg352Trp (NM_133644.4); short protein forms R320W, R342W, R352W.
Identifiers: ClinVar variation 1501235 (VCV001501235.8), dbSNP rs528932836, ClinGen allele CA404737633.

ClinVar aggregate classification (germline): Uncertain significance (1 of 4 stars; one submission).

gnomAD v4.1: 12 of 1,607,118 alleles (0.00075%); highest among the groups gnomAD compares: African/African-American, 0.0013%; no homozygotes.

Submission:

Labcorp Genetics (formerly Invitae), Labcorp
Classification: Uncertain significance. Last evaluated: 2021-01-08. Review status: criteria provided, single submitter. Criteria: Invitae Variant Classification Sherloc (09022015). Collection method: clinical testing. Allele origin: germline.
Comment: In summary, the available evidence is currently insufficient to determine the role of this variant in disease. Therefore, it has been classified as a Variant of Uncertain Significance. Algorithms developed to predict the effect of missense changes on protein structure and function are either unavailable or do not agree on the potential impact of this missense change (SIFT: "Deleterious"; PolyPhen-2: "Probably Damaging"; Align-GVGD: "Class C0"). This variant has not been reported in the literature in individuals with GTPBP3-related conditions. This variant is not present in population databases (ExAC no frequency). This sequence change replaces arginine with tryptophan at codon 352 of the GTPBP3 protein (p.Arg352Trp). The arginine residue is moderately conserved and there is a moderate physicochemical difference between arginine and tryptophan.